The following is an entry in ClinVar:

ClinVar aggregate classification (germline): Benign (1 of 4 stars; one submission).

Allele frequency attached by ClinVar (database versions not stated): 1000 Genomes Project 0.60623; 1000 Genomes Project 30x 0.61602; TOPMed 0.69383; gnomAD 0.69891 and 0.71281.
gnomAD v4.1: 106,035 of 151,612 alleles (70%); highest among the groups gnomAD compares: African/African-American, 87%; 38,468 homozygotes.

Submission:

GeneDx
Classification: Benign. Last evaluated: 2018-06-19. Review status: criteria provided, single submitter. Criteria: GeneDx Variant Classification (06012015). Collection method: clinical testing. Allele origin: germline. Affected: yes.
Comment: This variant is considered likely benign or benign based on one or more of the following criteria: it is a conservative change, it occurs at a poorly conserved position in the protein, it is predicted to be benign by multiple in silico algorithms, and/or has population frequency not consistent with disease.

NM_005592.4(MUSK):c.206+293C>T

Gene: MUSK (muscle associated receptor tyrosine kinase; plus strand). Cytogenetic location: 9q31.3.
Variant type: single nucleotide variant.
Coding change: c.206+293C>T on transcript NM_005592.4 (MANE Select); 293 bases into the intron after coding-DNA position 206, C replaced by T.
Molecular consequence: intron variant.
Genome position (GRCh38, 1-based): chr9:110,683,093, C>T. VCF-style: chr9-110683093-C-T. GRCh37 (hg19) VCF-style: chr9-113445373-C-T.
Other names: c.206+293C>T (NM_001166280.2, NM_001166281.2).
Identifiers: ClinVar variation 671365 (VCV000671365.1), dbSNP rs7852446, ClinGen allele CA13079760.
Genomic context (GRCh38, chr9:110,683,093, plus strand): 5'-TATAGTCACTCTGTTGTCTTATCAAATAGTAGGACTTTTTCATTCTTTCTATTTTTTTTG[C>T]ACCCACTAAACATCCCCTACTCCCCCCGATCCCTGTACTACCCTTTCCAGCCTCTGGTAA-3'